The following is an entry in ClinVar:

ClinVar aggregate classification (germline): Pathogenic (0 of 4 stars; one submission).
ClinVar aggregate classification (somatic clinical impact): Tier I - Strong (1 of 4 stars; one submission).

Conditions:
Leydig cell adenoma, somatic, with male-limited precocious puberty. Identifiers: MedGen C2674612.
Leydig cell tumor. Identifiers: MedGen C0023601, MONDO:0006266.

Submissions (2):

Institute for Genomic Medicine (IGM) Clinical Laboratory, Nationwide Children's Hospital
Classification: Tier I - Strong for Leydig cell tumor. Assertion type: diagnostic. Clinical significance: supports diagnosis. Last evaluated: 2023-11-20. Review status: criteria provided, single submitter. Criteria: AMP/ASCO/CAP Guidelines, 2017. Collection method: clinical testing. Allele origin: somatic. Affected: yes.
Comment: Variant has Tier I (strong) clinical significance as a diagnostic inclusion criterion in Leydig cell tumor, based on the following evidence: 1) Appears in one or more well-established professional guidelines (e.g., World Health Organization [WHO]; National Comprehensive Cancer Network [NCCN]) as providing diagnostic, prognostic, or therapeutic information. 2) Information in the literature supports potential biologic effect of variant (PMID: 10580072). 3) Diagnostic for a specific tumor type/classification based on well-powered studies with expert-level consensus (Evidence Level B; PMIDs: 10580072, 16757530, 36111273).

OMIM
Classification: Pathogenic for LEYDIG CELL ADENOMA, SOMATIC, WITH MALE-LIMITED PRECOCIOUS PUBERTY. Last evaluated: 2002-03-01. Review status: no assertion criteria provided. Collection method: literature only. Allele origin: somatic.

Literature cited by the submitters: PubMed 10580072 (cited by Institute for Genomic Medicine (IGM) Clinical Laboratory, Nationwide Children's Hospital and OMIM); PubMed 16757530 (cited by Institute for Genomic Medicine (IGM) Clinical Laboratory, Nationwide Children's Hospital); PubMed 36111273 (cited by Institute for Genomic Medicine (IGM) Clinical Laboratory, Nationwide Children's Hospital); PubMed 11857565 (cited by OMIM).

NM_000233.4(LHCGR):c.1732G>C (p.Asp578His)

Genes: LHCGR (luteinizing hormone/choriogonadotropin receptor; minus strand), STON1-GTF2A1L (STON1-GTF2A1L readthrough; plus strand). Cytogenetic location: 2p16.3.
Variant type: single nucleotide variant.
Coding change: c.1732G>C on transcript NM_000233.4 (MANE Select); coding-DNA position 1732, G replaced by C.
Protein change: p.Asp578His; replaces aspartic acid 578 with histidine.
Molecular consequence: missense variant. On other transcripts: intron variant (1).
Genome position (GRCh38, 1-based): chr2:48,688,065, C>G on the plus strand (G>C on the coding strand, the complement: LHCGR is on the minus strand). VCF-style: chr2-48688065-C-G. GRCh37 (hg19) VCF-style: chr2-48915204-C-G.
Other names: c.3441+16385C>G (NM_001198593.2); short protein forms D578H.
Identifiers: ClinVar variation 14403 (VCV000014403.2), dbSNP rs121912532, ClinGen allele CA123930.
Genomic context (GRCh38, chr2:48,688,065, plus strand): 5'-GAGGTACTTTGAAGGCAGCTGAGATGGCAAAAAAAGAGATAGGTGCCATGCAGGTGAAAT[C>G]GGTGAAGATGAGGATTGCCATTTTCTTAGCAATCTTTGTATCTTTATTGGTAGCCATTAA-3'
Protein context (NP_000224.2, residues 568-588): AKKMAILIFT[Asp578His]FTCMAPISFF